The following is an entry in ClinVar:

ClinVar aggregate classification (germline): Conflicting classifications of pathogenicity. Review status: criteria provided, conflicting classifications (1 of 4 stars). 5 submissions from 5 submitters: Uncertain significance (4); Likely benign (1). Last evaluated 2025-06-09.

Conditions:
Hereditary cancer-predisposing syndrome. Also called: Neoplastic Syndromes, Hereditary; Hereditary neoplastic syndrome; Tumor predisposition; Hereditary Cancer Syndrome. Identifiers: Orphanet 140162, MedGen C0027672, MeSH D009386, MONDO:0015356.
Hereditary pheochromocytoma and paraganglioma. Also called: Hereditary Paraganglioma-Pheochromocytoma Syndromes; Hereditary paragangliomas and pheochromocytomas; Hereditary pheochromocytoma-paraganglioma. Identifiers: Orphanet 29072, MedGen C4274332, MONDO:0017366.
Pheochromocytoma/paraganglioma syndrome 2. Also called: SDHAF2-Related Hereditary Paraganglioma-Pheochromocytoma Syndrome (Paragangliomas 2); SDHAF2-Related Hereditary Paraganglioma-Pheochromocytoma Syndrome; GLOMUS TUMORS, FAMILIAL, 2; Paragangliomas 2. Identifiers: Orphanet 29072, MedGen C1866552, MONDO:0011121, OMIM 601650.

Submissions (5):

Labcorp Genetics (formerly Invitae), Labcorp
Classification: Uncertain significance for Hereditary pheochromocytoma and paraganglioma. Last evaluated: 2025-06-09. Review status: criteria provided, single submitter. Criteria: Invitae Variant Classification Sherloc (09022015). Collection method: clinical testing. Allele origin: germline.
Comment: This sequence change replaces threonine, which is neutral and polar, with alanine, which is neutral and non-polar, at codon 9 of the SDHAF2 protein (p.Thr9Ala). This variant is not present in population databases (gnomAD no frequency). This variant has not been reported in the literature in individuals affected with SDHAF2-related conditions. ClinVar contains an entry for this variant (Variation ID: 463820). An algorithm developed to predict the effect of missense changes on protein structure and function outputs the following: PolyPhen-2: "Benign". The alanine amino acid residue is found in multiple mammalian species, which suggests that this missense change does not adversely affect protein function. In summary, the available evidence is currently insufficient to determine the role of this variant in disease. Therefore, it has been classified as a Variant of Uncertain Significance.

All of Us Research Program, National Institutes of Health
Classification: Uncertain significance for Hereditary pheochromocytoma and paraganglioma. Last evaluated: 2023-08-15. Review status: criteria provided, single submitter. Criteria: ACMG Guidelines, 2015. Collection method: clinical testing. Allele origin: germline. Inheritance: Autosomal dominant inheritance. Observed: 1 variant allele, 1 heterozygote.
Comment: This missense variant replaces threonine with alanine at codon 9 of the SDHAF2 protein. Computational prediction suggests that this variant may not impact protein structure and function (internally defined REVEL score threshold <= 0.5, PMID: 27666373). To our knowledge, functional studies have not been reported for this variant. This variant has not been reported in individuals affected with SDHAF2-related disorders in the literature. This variant has not been identified in the general population by the Genome Aggregation Database (gnomAD). The available evidence is insufficient to determine the role of this variant in disease conclusively. Therefore, this variant is classified as a Variant of Uncertain Significance.

This study involves interpretation of variants in research participants for the purpose of population health screening. Participant phenotype was not available at the time of variant classification. Additional details can be found in publication PMID: 35346344, PMCID: PMC8962531

Baylor Genetics
Classification: Uncertain significance for Pheochromocytoma/paraganglioma syndrome 2. Last evaluated: 2023-08-11. Review status: criteria provided, single submitter. Criteria: ACMG Guidelines, 2015. Collection method: clinical testing. Allele origin: unknown.

Ambry Genetics
Classification: Likely benign for Hereditary cancer-predisposing syndrome. Last evaluated: 2022-03-08. Review status: criteria provided, single submitter. Criteria: Ambry Variant Classification Scheme 2023. Collection method: clinical testing. Allele origin: germline.

Sema4
Classification: Uncertain significance for Hereditary cancer-predisposing syndrome. Last evaluated: 2021-12-26. Review status: criteria provided, single submitter. Criteria: Sema4 Curation Guidelines. Collection method: curation. Allele origin: germline.
Comment: The SDHAF2 c.25A>G (p.T9A) variant has not been reported in the literature to our knowledge. It was not observed in the large and broad cohorts of the Genome Aggregation Database (PMID: 32461654). This variant has been reported in ClinVar (Variation ID: 463820). Functional studies have not been performed, and in silico predictions of the variant's effect on protein function are inconclusive. The evidence is insufficient to meet ACMG/AMP criteria for classifying the variant as benign or pathogenic. Thus, the clinical significance of this variant is currently uncertain.

NM_017841.4(SDHAF2):c.25A>G (p.Thr9Ala)

Gene: SDHAF2 (succinate dehydrogenase complex assembly factor 2; plus strand). Cytogenetic location: 11q12.2.
Variant type: single nucleotide variant.
Coding change: c.25A>G on transcript NM_017841.4 (MANE Select); coding-DNA position 25, A replaced by G.
Protein change: p.Thr9Ala; replaces threonine 9 with alanine.
Molecular consequence: missense variant.
Genome position (GRCh38, 1-based): chr11:61,430,171, A>G. VCF-style: chr11-61430171-A-G. GRCh37 (hg19) VCF-style: chr11-61197643-A-G.
Other names: short protein forms T9A.
Identifiers: ClinVar variation 463820 (VCV000463820.11), dbSNP rs1554983610, ClinGen allele CA380680194.
Genomic context (GRCh38, chr11:61,430,171, plus strand): 5'-TGCCCGCGCAGCCGGTTTCCGGTGCAGGTGGGGAAAATGGCGGTGTCTACAGTGTTCTCG[A>G]CTTCGTCGCTGGTGAGGAGAGAGAACGTTCTAGCGTCCGGGGCGGGCGGCAGCGGGGATT-3'
Protein context (NP_060311.1, residues 1-19): MAVSTVFS[Thr9Ala]SSLMLALSRH